The following is an entry in ClinVar:

ClinVar aggregate classification (germline): Uncertain significance. Review status: criteria provided, multiple submitters, no conflicts (2 of 4 stars). 4 submissions from 4 submitters: Uncertain significance (4). Last evaluated 2025-07-10.

Conditions:
Inborn genetic diseases. Identifiers: MedGen C0950123, MeSH D030342.
Megaloblastic anemia, thiamine-responsive, with diabetes mellitus and sensorineural deafness (TRMA). Also called: THIAMINE METABOLISM DYSFUNCTION SYNDROME 1 (MEGALOBLASTIC ANEMIA, DIABETES MELLITUS, AND DEAFNESS TYPE); ROGERS SYNDROME; THIAMINE-RESPONSIVE ANEMIA SYNDROME; THIAMINE-RESPONSIVE MYELODYSPLASIA; Thiamine-Responsive Megaloblastic Anemia Syndrome. Identifiers: Orphanet 49827, MedGen C0342287, MONDO:0009575, OMIM 249270.

Submissions (4):

GeneDx
Classification: Uncertain significance. Last evaluated: 2025-07-10. Review status: criteria provided, single submitter. Criteria: GeneDx Variant Classification Process June 2021. Collection method: clinical testing. Allele origin: germline.
Comment: In-frame deletion of 1 amino acid in a non-repeat region; In silico analysis supports a deleterious effect on protein structure/function; Has not been previously published as pathogenic or benign to our knowledge

Fulgent Genetics
Classification: Uncertain significance for Megaloblastic anemia, thiamine-responsive, with diabetes mellitus and sensorineural deafness. Last evaluated: 2024-05-09. Review status: criteria provided, single submitter. Criteria: ACMG Guidelines, 2015. Collection method: clinical testing. Allele origin: germline.

Blueprint Genetics
Classification: Uncertain significance. Last evaluated: 2023-01-12. Review status: criteria provided, single submitter. Criteria: ACMG Guidelines, 2015. Collection method: clinical testing. Allele origin: germline.

Ambry Genetics
Classification: Uncertain significance for Inborn genetic diseases. Last evaluated: 2021-08-19. Review status: criteria provided, single submitter. Criteria: Ambry Variant Classification Scheme 2023. Collection method: clinical testing. Allele origin: germline.
Comment: The c.1061_1063delTAA (p.I354del) alteration is located in exon 4 (coding exon 4) of the SLC19A2 gene. This alteration consists of an in-frame deletion of 3 nucleotides between nucleotide positions c.1061 and c.1063, resulting in the deletion of 1 residue. Based on insufficient or conflicting evidence, the clinical significance of this alteration remains unclear.

NM_006996.3(SLC19A2):c.1061_1063del (p.Ile354del)

Gene: SLC19A2 (solute carrier family 19 member 2; minus strand). Cytogenetic location: 1q24.2.
Variant type: Deletion.
Coding change: c.1061_1063del on transcript NM_006996.3 (MANE Select); coding-DNA positions 1061 to 1063, 3 bases deleted (TAA; older notation c.1061_1063delTAA).
Protein change: p.Ile354del; deletes isoleucine 354.
Molecular consequence: inframe deletion.
Genome position (GRCh38, 1-based): chr1:169,468,804-169,468,806, TTA deleted on the plus strand (TAA on the coding strand, the reverse complement: SLC19A2 is on the minus strand); deleting any 3 consecutive bases within chr1:169,468,804-169,468,807 gives the same sequence; the c. name uses the placement nearest the transcript's 3' end. VCF-style (leftmost placement, unchanged base first): chr1-169468803-TTTA-T. GRCh37 (hg19) VCF-style: chr1-169438041-TTTA-T.
Other names: c.1061_1063del (NM_006996.2); c.458_460del, p.Ile153del (NM_001319667.1); c.1061_1063delTAA (NM_006996.2); short protein forms I153del, I354del.
Identifiers: ClinVar variation 2348763 (VCV002348763.5), dbSNP rs775393998, ClinGen allele CA1232927.
Genomic context (GRCh38, chr1:169,468,803, plus strand): 5'-GCAGCAATCAGGAGAGAAAAGAGAGATAATGTCATTTCTCCCCAAGTTGACCAGGATATT[TTTA>T]TATAACCAACTGCAAACACAGCAACAGCACCTACAGAACAAACAAAAAAAATCCAATTAT-3'